The following is an entry in ClinVar:

ClinVar aggregate classification (germline): Likely pathogenic (1 of 4 stars; one submission).

Submission:

Athena Diagnostics
Classification: Likely pathogenic. Last evaluated: 2018-09-14. Review status: criteria provided, single submitter. Criteria: Athena Diagnostics Criteria. Collection method: clinical testing. Allele origin: germline.
Comment: The variant disrupts a canonical splice site, and is therefore predicted to significantly disrupt the protein structure. Not found in the total gnomAD dataset, and the data is high quality (0/276798 chr).

NM_001077365.2(POMT1):c.699+67del

Gene: POMT1 (protein O-mannosyltransferase 1; plus strand). Cytogenetic location: 9q34.13.
Variant type: Deletion.
Coding change: c.699+67del on transcript NM_001077365.2 (MANE Select); 67 bases into the intron after coding-DNA position 699, one base deleted (G; older notation c.699+67delG).
Molecular consequence: intron variant. On other transcripts: frameshift variant (1), splice donor variant (6).
Genome position (GRCh38, 1-based): chr9:131,510,063, G deleted; the last of 5 consecutive G bases (chr9:131,510,059-131,510,063); deleting any one gives the same sequence. VCF-style (leftmost placement, unchanged base first): chr9-131510058-AG-A. GRCh37 (hg19) VCF-style: chr9-134385445-AG-A.
Other names: c.604del, p.Val202fs (NM_001374689.1); c.603+1del (NM_001353198.2, NM_001353197.2); c.765+1del (NM_001353193.2, NM_007171.4); c.699+67del (NM_001136113.2, NM_001374690.1); c.537+67del (NM_001353194.2, NM_001077366.2, NM_001374693.1); c.348+67del (NM_001374691.1, NM_001353195.2, NM_001374692.1 and 1 more transcripts); c.609+67del (NM_001353196.2); c.309+1del (NM_001374695.1); and 3 more; short protein forms V202fs.
Identifiers: ClinVar variation 805236 (VCV000805236.1), dbSNP rs1588377489, ClinGen allele CA915947214.